The following is an entry in ClinVar:

ClinVar aggregate classification (germline): Uncertain significance. Review status: criteria provided, multiple submitters, no conflicts (2 of 4 stars). 2 submissions from 2 submitters: Uncertain significance (2). Last evaluated 2025-11-10.

Conditions:
Hereditary cancer-predisposing syndrome. Also called: Neoplastic Syndromes, Hereditary; Hereditary Cancer Syndrome; Hereditary neoplastic syndrome; Tumor predisposition. Identifiers: Orphanet 140162, MedGen C0027672, MeSH D009386, MONDO:0015356.
Cardiovascular phenotype. Identifiers: MedGen CN230736.
Neurofibromatosis, type 1 (NF1). Also called: Neurofibromatosis, type I; Peripheral type neurofibromatosis; VON RECKLINGHAUSEN DISEASE; NEUROFIBROMATOSIS, TYPE I, SOMATIC. Identifiers: Orphanet 636, MedGen C0027831, MONDO:0018975, OMIM 162200. Disease mechanism: loss of function.

Allele frequency attached by ClinVar (database versions not stated): gnomAD exomes below 0.00001.
gnomAD v4.1: 1 of 1,614,032 alleles (0.000062%); highest among the groups gnomAD compares: Non-Finnish European, 0.000085%; no homozygotes.

Submissions (2):

Labcorp Genetics (formerly Invitae), Labcorp
Classification: Uncertain significance for Neurofibromatosis, type 1. Last evaluated: 2025-11-10. Review status: criteria provided, single submitter. Criteria: Invitae Variant Classification Sherloc (09022015). Collection method: clinical testing. Allele origin: germline.
Comment: This sequence change replaces serine, which is neutral and polar, with proline, which is neutral and non-polar, at codon 2649 of the NF1 protein (p.Ser2649Pro). This variant is not present in population databases (gnomAD no frequency). This variant has not been reported in the literature in individuals affected with NF1-related conditions. ClinVar contains an entry for this variant (Variation ID: 827348). Invitae Evidence Modeling of protein sequence and biophysical properties (such as structural, functional, and spatial information, amino acid conservation, physicochemical variation, residue mobility, and thermodynamic stability) has been performed for this missense variant. However, the output from this modeling did not meet the statistical confidence thresholds required to predict the impact of this variant on NF1 protein function. In summary, the available evidence is currently insufficient to determine the role of this variant in disease. Therefore, it has been classified as a Variant of Uncertain Significance.

Ambry Genetics
Classification: Uncertain significance for Cardiovascular phenotype; Hereditary cancer-predisposing syndrome. Last evaluated: 2025-01-14. Review status: criteria provided, single submitter. Criteria: Ambry Variant Classification Scheme 2023. Collection method: clinical testing. Allele origin: germline.
Comment: The p.S2649P variant (also known as c.7945T>C), located in coding exon 54 of the NF1 gene, results from a T to C substitution at nucleotide position 7945. The serine at codon 2649 is replaced by proline, an amino acid with similar properties. This amino acid position is highly conserved in available vertebrate species. In addition, this alteration is predicted to be deleterious by in silico analysis. Since supporting evidence is limited at this time, the clinical significance of this alteration remains unclear.

NM_001042492.3(NF1):c.8008T>C (p.Ser2670Pro)

Gene: NF1 (neurofibromin 1; plus strand). Cytogenetic location: 17q11.2.
Variant type: single nucleotide variant.
Coding change: c.8008T>C on transcript NM_001042492.3 (MANE Select); coding-DNA position 8008, T replaced by C.
Protein change: p.Ser2670Pro; replaces serine 2670 with proline.
Molecular consequence: missense variant.
Genome position (GRCh38, 1-based): chr17:31,358,517, T>C. VCF-style: chr17-31358517-T-C. GRCh37 (hg19) VCF-style: chr17-29685535-T-C.
Other names: c.7945T>C, p.Ser2649Pro (NM_000267.4); short protein forms S2670P, S2649P.
Identifiers: ClinVar variation 827348 (VCV000827348.10), dbSNP rs1597868102, ClinGen allele CA399203663.